The following is an entry in ClinVar:

ClinVar aggregate classification (germline): Likely pathogenic (1 of 4 stars; one submission).

Conditions:
Developmental and epileptic encephalopathy, 33 (DEE33). Also called: Epileptic encephalopathy, early infantile, 33. Identifiers: Orphanet 442835, MedGen C4225337, MONDO:0014625, OMIM 616409.

Submission:

Labcorp Genetics (formerly Invitae), Labcorp
Classification: Likely pathogenic for Developmental and epileptic encephalopathy, 33. Last evaluated: 2022-11-22. Review status: criteria provided, single submitter. Criteria: Invitae Variant Classification Sherloc (09022015). Collection method: clinical testing. Allele origin: germline.
Comment: Algorithms developed to predict the effect of missense changes on protein structure and function are either unavailable or do not agree on the potential impact of this missense change (SIFT: "Not Available"; PolyPhen-2: "Probably Damaging"; Align-GVGD: "Not Available"). This variant disrupts the p.Asp17 amino acid residue in EEF1A2. Other variant(s) that disrupt this residue have been observed in individuals with EEF1A2-related conditions (PMID: 32196822), which suggests that this may be a clinically significant amino acid residue. In summary, the currently available evidence indicates that the variant is pathogenic, but additional data are needed to prove that conclusively. Therefore, this variant has been classified as Likely Pathogenic. This sequence change replaces aspartic acid, which is acidic and polar, with glycine, which is neutral and non-polar, at codon 17 of the EEF1A2 protein (p.Asp17Gly). Information on the frequency of this variant in the gnomAD database is not available, as this variant may be reported differently in the database. This missense change has been observed in individual(s) with epileptic encephalopathy (Invitae). In at least one individual the variant was observed to be de novo. ClinVar contains an entry for this variant (Variation ID: 1474102).

Literature cited by the submitters: PubMed 32196822.

NM_001958.5(EEF1A2):c.50_51delinsGA (p.Asp17Gly)

Gene: EEF1A2 (eukaryotic translation elongation factor 1 alpha 2; minus strand). Cytogenetic location: 20q13.33.
Variant type: Indel.
Coding change: c.50_51delinsGA on transcript NM_001958.5 (MANE Select); coding-DNA positions 50 to 51, AC replaced by GA.
Protein change: p.Asp17Gly; replaces aspartic acid 17 with glycine.
Molecular consequence: missense variant.
Genome position (GRCh38, 1-based): chr20:63,497,713-63,497,714, GT replaced by TC on the plus strand (AC replaced by GA on the coding strand, the reverse complement: EEF1A2 is on the minus strand). VCF-style: chr20-63497713-GT-TC. GRCh37 (hg19) VCF-style: chr20-62129066-GT-TC.
Other names: short protein forms D17G.
Identifiers: ClinVar variation 1474102 (VCV001474102.6), dbSNP rs2145946848, ClinGen allele CA2573157320.
Genomic context (GRCh38, chr20:63,497,713, plus strand): 5'-CCTTTTGTCAATACCTCCGCATTTGTAGATGAGGTGGCCCGTGGTGGTGGACTTTCCGGA[GT>TC]CCACGTGGCCGATGACCACGATGTTGATGTGGGTCTTCTCCTTGCCCATTTTGCTGGGAG-3'
Protein context (NP_001949.1, residues 7-27): HINIVVIGHV[Asp17Gly]SGKSTTTGHL